The following is an entry in ClinVar:

NM_007294.4(BRCA1):c.1308T>C (p.Pro436=)

Gene: BRCA1 (BRCA1 DNA repair associated; minus strand). Cytogenetic location: 17q21.31.
Variant type: single nucleotide variant.
Coding change: c.1308T>C on transcript NM_007294.4 (MANE Select); coding-DNA position 1308, T replaced by C.
Protein change: p.Pro436=; no amino-acid change (proline 436 retained).
Molecular consequence: synonymous variant. On other transcripts: intron variant (137).
Genome position (GRCh38, 1-based): chr17:43,094,223, A>G on the plus strand (T>C on the coding strand, the complement: BRCA1 is on the minus strand). VCF-style: chr17-43094223-A-G. GRCh37 (hg19) VCF-style: chr17-41246240-A-G.
Other names: c.1305T>C, p.Pro435= (NM_001407633.1, NM_001407634.1, NM_001407635.1 and 22 more transcripts); c.1308T>C, p.Pro436= (NM_001407639.1, NM_001407640.1, NM_001407641.1 and 30 more transcripts); c.1299T>C, p.Pro433= (NM_001407646.1, NM_001407647.1); c.1185T>C, p.Pro395= (NM_001407648.1, NM_001407664.1, NM_001407665.1 and 19 more transcripts); c.1182T>C, p.Pro394= (NM_001407649.1, NM_001407670.1, NM_001407671.1 and 11 more transcripts); c.1230T>C, p.Pro410= (NM_001407653.1, NM_001407654.1, NM_001407655.1 and 4 more transcripts); c.1227T>C, p.Pro409= (NM_001407659.1, NM_001407660.1, NM_001407661.1 and 1 more transcripts); c.1167T>C, p.Pro389= (NM_001407692.1, NM_001407694.1, NM_001407695.1 and 29 more transcripts); and 40 more.
Identifiers: ClinVar variation 186850 (VCV000186850.29), dbSNP rs770279083, ClinGen allele CA000852.

ClinVar aggregate classification (germline): Likely benign. Review status: reviewed by expert panel (3 of 4 stars). 8 submissions from 8 submitters: Likely benign (1). 7 of the submissions do not count toward it. Last evaluated 2017-06-29.

Conditions:
Hereditary cancer-predisposing syndrome. Also called: Tumor predisposition; Neoplastic Syndromes, Hereditary; Hereditary Cancer Syndrome; Hereditary neoplastic syndrome. Identifiers: Orphanet 140162, MedGen C0027672, MeSH D009386, MONDO:0015356.
Hereditary breast ovarian cancer syndrome. Also called: Hereditary breast and ovarian cancer; Hereditary breast and ovarian cancer syndrome (HBOC); Breast and ovarian cancer; Hereditary breast and/or ovarian cancer syndrome; BRCA1- and BRCA2-Associated Hereditary Breast and Ovarian Cancer; Hereditary breast and ovarian cancer syndrome. Identifiers: Orphanet 145, MedGen C0677776, MeSH D061325, MONDO:0003582. Disease mechanism: loss of function.
Breast-ovarian cancer, familial, susceptibility to, 1 (BROVCA1). Also called: OVARIAN CANCER, SUSCEPTIBILITY TO; BRCA1 Hereditary Breast and Ovarian Cancer. Identifiers: Orphanet 145, MedGen C2676676, MONDO:0011450, OMIM 604370. Disease mechanism: loss of function.

Allele frequency attached by ClinVar (database versions not stated): gnomAD 0.00001; gnomAD exomes 0.00001; ExAC 0.00002; TOPMed 0.00002.
gnomAD v4.1: 5 of 1,614,012 alleles (0.00031%); highest among the groups gnomAD compares: Non-Finnish European, 0.00042%; no homozygotes.

Submissions (8):

Evidence-based Network for the Interpretation of Germline Mutant Alleles (ENIGMA)
Classification: Likely benign for Breast-ovarian cancer, familial, susceptibility to, 1. Last evaluated: 2017-06-29. Review status: reviewed by expert panel. Criteria: ENIGMA BRCA1/2 Classification Criteria (2017-06-29). Collection method: curation. Allele origin: germline.
Comment: Synonymous substitution variant, with low bioinformatic likelihood to result in a splicing aberration (Splicing prior probability 0.02).

Labcorp Genetics (formerly Invitae), Labcorp
Classification: Likely benign for Hereditary breast ovarian cancer syndrome. Last evaluated: 2025-11-19. Review status: criteria provided, single submitter. Criteria: Invitae Variant Classification Sherloc (09022015). Collection method: clinical testing. Allele origin: germline. Not counted in ClinVar's aggregate classification.

CeGaT Center for Human Genetics Tuebingen
Classification: Likely benign. Last evaluated: 2025-04-01. Review status: criteria provided, single submitter. Criteria: CeGaT Center For Human Genetics Tuebingen Variant Classification Criteria Version 2. Collection method: clinical testing. Allele origin: germline. Affected: yes. Observed: 1 variant allele. Not counted in ClinVar's aggregate classification.
Comment: BRCA1: BP4, BP7

All of Us Research Program, National Institutes of Health
Classification: Likely benign for Breast-ovarian cancer, familial, susceptibility to, 1. Last evaluated: 2022-11-29. Review status: criteria provided, single submitter. Criteria: ACMG Guidelines, 2015. Collection method: clinical testing. Allele origin: germline. Inheritance: Autosomal dominant inheritance. Observed: 1 variant allele, 1 heterozygote. Not counted in ClinVar's aggregate classification.
Comment: This study involves interpretation of variants in research participants for the purpose of population health screening. Participant phenotype was not available at the time of variant classification. Additional details can be found in publication PMID: 35346344, PMCID: PMC8962531

GeneDx
Classification: Likely benign. Last evaluated: 2021-03-17. Review status: criteria provided, single submitter. Criteria: GeneDx Variant Classification Process June 2021. Collection method: clinical testing. Allele origin: germline. Affected: yes. Not counted in ClinVar's aggregate classification.

Quest Diagnostics Nichols Institute San Juan Capistrano
Classification: Likely benign. Last evaluated: 2017-09-21. Review status: criteria provided, single submitter. Criteria: Quest Diagnostics criteria. Collection method: clinical testing. Allele origin: germline. Not counted in ClinVar's aggregate classification.

Color Diagnostics, LLC DBA Color Health
Classification: Likely benign for Hereditary cancer-predisposing syndrome. Last evaluated: 2017-06-20. Review status: criteria provided, single submitter. Criteria: ACMG Guidelines, 2015. Collection method: clinical testing. Allele origin: germline. Not counted in ClinVar's aggregate classification.

Ambry Genetics
Classification: Likely benign for Hereditary cancer-predisposing syndrome. Last evaluated: 2014-10-27. Review status: criteria provided, single submitter. Criteria: Ambry Variant Classification Scheme 2023. Collection method: clinical testing. Allele origin: germline. Not counted in ClinVar's aggregate classification.